The following is an entry in ClinVar:

ClinVar aggregate classification (germline): Likely pathogenic (1 of 4 stars; one submission).

Submission:

Labcorp Genetics (formerly Invitae), Labcorp
Classification: Likely pathogenic. Last evaluated: 2023-06-23. Review status: criteria provided, single submitter. Criteria: Invitae Variant Classification Sherloc (09022015). Collection method: clinical testing. Allele origin: unknown.
Comment: In summary, the currently available evidence indicates that the variant is pathogenic, but additional data are needed to prove that conclusively. Therefore, this variant has been classified as Likely Pathogenic. Experimental studies and prediction algorithms are not available or were not evaluated, and the functional significance of this variant is currently unknown. This variant has not been reported in the literature in individuals affected with ALPK3-related conditions. This variant results in a copy number gain of the genomic region encompassing exon(s) 2-3 of the ALPK3 gene. While the exact position of this variant cannot be determined from the data, sub-genic copy number gains are generally in tandem (PMID: 25640679). This variant is predicted to be out-of-frame, and may result in an absent or disrupted protein product. Loss-of-function variants in ALPK3 are known to be pathogenic (PMID: 21441111, 26846950, 27106955, 34263907).

Literature cited by the submitters: PubMed 25640679; PubMed 21441111; PubMed 26846950; PubMed 27106955; PubMed 34263907.

NC_000015.9:g.(?_85366541)_(85370856_?)dup

Gene: ALPK3 (alpha kinase 3; plus strand). Cytogenetic location: 15q25.3.
Variant type: Duplication.
Identifiers: ClinVar variation 3243893 (VCV003243893.1).